The following is an entry in ClinVar:

NM_177438.3(DICER1):c.3928T>G (p.Phe1310Val)

Gene: DICER1 (dicer 1, ribonuclease III; minus strand). Cytogenetic location: 14q32.13.
Variant type: single nucleotide variant.
Coding change: c.3928T>G on transcript NM_177438.3 (MANE Select); coding-DNA position 3928, T replaced by G.
Protein change: p.Phe1310Val; replaces phenylalanine 1310 with valine.
Molecular consequence: missense variant. On other transcripts: non-coding transcript variant (6).
Genome position (GRCh38, 1-based): chr14:95,103,468, A>C on the plus strand (T>G on the coding strand, the complement: DICER1 is on the minus strand). VCF-style: chr14-95103468-A-C. GRCh37 (hg19) VCF-style: chr14-95569805-A-C.
Other names: c.3928T>G, p.Phe1310Val (NM_001395683.1, NM_001395684.1, NM_001395678.1 and 13 more transcripts); c.3646T>G, p.Phe1216Val (NM_001395686.1); c.3523T>G, p.Phe1175Val (NM_001395687.1, NM_001395688.1, NM_001395689.1 and 2 more transcripts); c.3361T>G, p.Phe1121Val (NM_001395691.1); c.2245T>G, p.Phe749Val (NM_001395697.1); short protein forms F1121V, F1175V, F1216V, F1310V, F749V.
Identifiers: ClinVar variation 3229397 (VCV003229397.2), dbSNP rs2542688588, ClinGen allele CA390873152.

ClinVar aggregate classification (germline): Uncertain significance. Review status: criteria provided, multiple submitters, no conflicts (2 of 4 stars). 2 submissions from 2 submitters: Uncertain significance (2). Last evaluated 2025-07-10.

Conditions:
DICER1-related tumor predisposition. Also called: DICER1-related pleuropulmonary blastoma cancer predisposition syndrome; DICER1 syndrome. Identifiers: Orphanet 284343, MedGen C3839822, MONDO:0100216.
Hereditary cancer-predisposing syndrome. Also called: Hereditary Cancer Syndrome; Tumor predisposition; Neoplastic Syndromes, Hereditary; Hereditary neoplastic syndrome. Identifiers: Orphanet 140162, MedGen C0027672, MeSH D009386, MONDO:0015356.

Submissions (2):

Labcorp Genetics (formerly Invitae), Labcorp
Classification: Uncertain significance for DICER1-related tumor predisposition. Last evaluated: 2025-07-10. Review status: criteria provided, single submitter. Criteria: Invitae Variant Classification Sherloc (09022015). Collection method: clinical testing. Allele origin: germline.
Comment: This sequence change replaces phenylalanine, which is neutral and non-polar, with valine, which is neutral and non-polar, at codon 1310 of the DICER1 protein (p.Phe1310Val). This variant is not present in population databases (gnomAD no frequency). This variant has not been reported in the literature in individuals affected with DICER1-related conditions. ClinVar contains an entry for this variant (Variation ID: 3229397). Invitae Evidence Modeling of protein sequence and biophysical properties (such as structural, functional, and spatial information, amino acid conservation, physicochemical variation, residue mobility, and thermodynamic stability) indicates that this missense variant is expected to disrupt DICER1 protein function with a positive predictive value of 95%. In summary, the available evidence is currently insufficient to determine the role of this variant in disease. Therefore, it has been classified as a Variant of Uncertain Significance.

Ambry Genetics
Classification: Uncertain significance for Hereditary cancer-predisposing syndrome. Last evaluated: 2024-03-12. Review status: criteria provided, single submitter. Criteria: Ambry Variant Classification Scheme 2023. Collection method: clinical testing. Allele origin: germline.
Comment: The p.F1310V variant (also known as c.3928T>G), located in coding exon 20 of the DICER1 gene, results from a T to G substitution at nucleotide position 3928. The phenylalanine at codon 1310 is replaced by valine, an amino acid with highly similar properties. This amino acid position is conserved. In addition, this alteration is predicted to be deleterious by in silico analysis. Based on the available evidence, the clinical significance of this alteration remains unclear.